The following is an entry in ClinVar:

ClinVar aggregate classification (germline): Uncertain significance (1 of 4 stars; one submission).

gnomAD v4.1: 5 of 1,614,196 alleles (0.00031%); highest among the groups gnomAD compares: Non-Finnish European, 0.00042%; no homozygotes.

Submission:

Labcorp Genetics (formerly Invitae), Labcorp
Classification: Uncertain significance. Last evaluated: 2024-11-07. Review status: criteria provided, single submitter. Criteria: Invitae Variant Classification Sherloc (09022015). Collection method: clinical testing. Allele origin: germline.
Comment: This sequence change replaces aspartic acid, which is acidic and polar, with glycine, which is neutral and non-polar, at codon 145 of the JAK1 protein (p.Asp145Gly). This variant is not present in population databases (gnomAD no frequency). This variant has not been reported in the literature in individuals affected with JAK1-related conditions. An algorithm developed to predict the effect of missense changes on protein structure and function (PolyPhen-2) suggests that this variant is likely to be tolerated. In summary, the available evidence is currently insufficient to determine the role of this variant in disease. Therefore, it has been classified as a Variant of Uncertain Significance.

NM_002227.4(JAK1):c.434A>G (p.Asp145Gly)

Gene: JAK1 (Janus kinase 1; minus strand). Cytogenetic location: 1p31.3.
Variant type: single nucleotide variant.
Coding change: c.434A>G on transcript NM_002227.4 (MANE Select); coding-DNA position 434, A replaced by G.
Protein change: p.Asp145Gly; replaces aspartic acid 145 with glycine.
Molecular consequence: missense variant.
Genome position (GRCh38, 1-based): chr1:64,873,419, T>C on the plus strand (A>G on the coding strand, the complement: JAK1 is on the minus strand). VCF-style: chr1-64873419-T-C. GRCh37 (hg19) VCF-style: chr1-65339102-T-C.
Other names: c.434A>G, p.Asp145Gly (NM_001320923.2, NM_001321852.2, NM_001321853.2 and 4 more transcripts); short protein forms D145G.
Identifiers: ClinVar variation 3724853 (VCV003724853.2).